The following is an entry in ClinVar:

NM_001145358.2(SIN3A):c.1249_1250inv (p.Pro417Gly)

Gene: SIN3A (SIN3 transcription regulator family member A; minus strand). Cytogenetic location: 15q24.2.
Variant type: Inversion.
Coding change: c.1249_1250inv on transcript NM_001145358.2 (MANE Select).
Protein change: p.Pro417Gly; replaces proline 417 with glycine.
Molecular consequence: missense variant.
Genome position: GRCh38 VCF-style: chr15-75409903-GG-CC. GRCh37 (hg19) VCF-style: chr15-75702244-GG-CC.
Other names: c.1249_1250inv, p.Pro417Gly (NM_001145357.2, NM_015477.3); short protein forms P417G.
Identifiers: ClinVar variation 2891138 (VCV002891138.3), ClinGen allele CA2739269593.

ClinVar aggregate classification (germline): Uncertain significance (1 of 4 stars; one submission).

Submission:

Labcorp Genetics (formerly Invitae), Labcorp
Classification: Uncertain significance. Last evaluated: 2025-12-16. Review status: criteria provided, single submitter. Criteria: Invitae Variant Classification Sherloc (09022015). Collection method: clinical testing. Allele origin: germline.
Comment: This sequence change replaces proline, which is neutral and non-polar, with glycine, which is neutral and non-polar, at codon 417 of the SIN3A protein (p.Pro417Gly). Information on the frequency of this variant in the gnomAD database is not available, as this variant may be reported differently in the database. This variant has not been reported in the literature in individuals affected with SIN3A-related conditions. ClinVar contains an entry for this variant (Variation ID: 2891138). An algorithm developed to predict the effect of missense changes on protein structure and function (PolyPhen-2) suggests that this variant is likely to be tolerated. In summary, the available evidence is currently insufficient to determine the role of this variant in disease. Therefore, it has been classified as a Variant of Uncertain Significance.